The following is an entry in ClinVar:

ClinVar aggregate classification (germline): Uncertain significance (1 of 4 stars; one submission).

Submission:

CeGaT Center for Human Genetics Tuebingen
Classification: Uncertain significance. Last evaluated: 2022-07-01. Review status: criteria provided, single submitter. Criteria: CeGaT Center For Human Genetics Tuebingen Variant Classification Criteria Version 2. Collection method: clinical testing. Allele origin: germline. Affected: yes. Observed: 1 variant allele.
Comment: SYNE1: PM2, BP4

NM_182961.4(SYNE1):c.5869G>A (p.Gly1957Arg)

Gene: SYNE1 (spectrin repeat containing nuclear envelope protein 1; minus strand). Cytogenetic location: 6q25.2.
Variant type: single nucleotide variant.
Coding change: c.5869G>A on transcript NM_182961.4 (MANE Select); coding-DNA position 5869, G replaced by A.
Protein change: p.Gly1957Arg; replaces glycine 1957 with arginine.
Molecular consequence: missense variant.
Genome position (GRCh38, 1-based): chr6:152,416,568, C>T on the plus strand (G>A on the coding strand, the complement: SYNE1 is on the minus strand). VCF-style: chr6-152416568-C-T. GRCh37 (hg19) VCF-style: chr6-152737703-C-T.
Other names: c.5890G>A, p.Gly1964Arg (NM_033071.5); short protein forms G1957R, G1964R.
Identifiers: ClinVar variation 2657031 (VCV002657031.24), dbSNP rs2496910149, ClinGen allele CA366131861.